The following is an entry in ClinVar:

ClinVar aggregate classification (germline): Uncertain significance (1 of 4 stars; one submission).

Submission:

Labcorp Genetics (formerly Invitae), Labcorp
Classification: Uncertain significance. Last evaluated: 2024-05-29. Review status: criteria provided, single submitter. Criteria: Invitae Variant Classification Sherloc (09022015). Collection method: clinical testing. Allele origin: germline.
Comment: This sequence change replaces valine, which is neutral and non-polar, with isoleucine, which is neutral and non-polar, at codon 35 of the ETV6 protein (p.Val35Ile). This variant is not present in population databases (gnomAD no frequency). This variant has not been reported in the literature in individuals affected with ETV6-related conditions. Advanced modeling of protein sequence and biophysical properties (such as structural, functional, and spatial information, amino acid conservation, physicochemical variation, residue mobility, and thermodynamic stability) performed at Invitae indicates that this missense variant is not expected to disrupt ETV6 protein function with a negative predictive value of 80%. In summary, the available evidence is currently insufficient to determine the role of this variant in disease. Therefore, it has been classified as a Variant of Uncertain Significance.

NM_001987.5(ETV6):c.103G>A (p.Val35Ile)

Gene: ETV6 (ETS variant transcription factor 6; plus strand). Cytogenetic location: 12p13.2.
Variant type: single nucleotide variant.
Coding change: c.103G>A on transcript NM_001987.5 (MANE Select); coding-DNA position 103, G replaced by A.
Protein change: p.Val35Ile; replaces valine 35 with isoleucine.
Molecular consequence: missense variant. On other transcripts: intron variant (1).
Genome position (GRCh38, 1-based): chr12:11,752,519, G>A. VCF-style: chr12-11752519-G-A. GRCh37 (hg19) VCF-style: chr12-11905453-G-A.
Other names: c.100G>A, p.Val34Ile (NM_001413913.1); c.76G>A, p.Val26Ile (NM_001413914.1); c.103G>A, p.Val35Ile (NM_001413916.1, NM_001413917.1, NM_001413918.1); c.-101-86621G>A (NM_001413915.1); short protein forms V35I, V34I, V26I.
Identifiers: ClinVar variation 2763975 (VCV002763975.3), dbSNP rs2497702436, ClinGen allele CA384041716.
Genomic context (GRCh38, chr12:11,752,519, plus strand): 5'-ATTTCATATACACCTCCAGAGAGCCCAGTGCCGAGTTACGCTTCCTCGACGCCACTTCAT[G>A]TTCCAGTGCCTCGAGCGCTCAGGATGGAGGAAGACTCGATCCGCCTGCCTGCGCACCTGC-3'
Protein context (NP_001978.1, residues 25-45): PSYASSTPLH[Val35Ile]PVPRALRMEE